The following is an entry in ClinVar:

ClinVar aggregate classification (germline): Likely benign (1 of 4 stars; one submission).

Submission:

CeGaT Center for Human Genetics Tuebingen
Classification: Likely benign. Last evaluated: 2026-05-01. Review status: criteria provided, single submitter. Criteria: CeGaT Center For Human Genetics Tuebingen Variant Classification Criteria Version 2. Collection method: clinical testing. Allele origin: germline. Affected: yes. Observed: 1 variant allele.
Comment: SCN2A: PM2:Supporting, BP4, BP7

NM_001040142.2(SCN2A):c.1362A>G (p.Lys454=)

Gene: SCN2A (sodium voltage-gated channel alpha subunit 2; plus strand). Cytogenetic location: 2q24.3.
Variant type: single nucleotide variant.
Coding change: c.1362A>G on transcript NM_001040142.2 (MANE Select); coding-DNA position 1362, A replaced by G.
Protein change: p.Lys454=; no amino-acid change (lysine 454 retained).
Molecular consequence: synonymous variant.
Genome position (GRCh38, 1-based): chr2:165,314,087, A>G. VCF-style: chr2-165314087-A-G. GRCh37 (hg19) VCF-style: chr2-166170597-A-G.
Other names: c.1362A>G, p.Lys454= (NM_001040143.2, NM_001371246.1, NM_001371247.1 and 1 more transcripts).
Identifiers: ClinVar variation 4875010 (VCV004875010.2).